The following is an entry in ClinVar:

NM_032119.4(ADGRV1):c.1906A>G (p.Ile636Val)

Gene: ADGRV1 (adhesion G protein-coupled receptor V1; plus strand). Cytogenetic location: 5q14.3.
Variant type: single nucleotide variant.
Coding change: c.1906A>G on transcript NM_032119.4 (MANE Select); coding-DNA position 1906, A replaced by G.
Protein change: p.Ile636Val; replaces isoleucine 636 with valine.
Molecular consequence: missense variant. On other transcripts: non-coding transcript variant (1).
Genome position (GRCh38, 1-based): chr5:90,635,180, A>G. VCF-style: chr5-90635180-A-G. GRCh37 (hg19) VCF-style: chr5-89930997-A-G.
Other names: short protein forms I636V.
Identifiers: ClinVar variation 853053 (VCV000853053.9), dbSNP rs1766011943, ClinGen allele CA360381001.

ClinVar aggregate classification (germline): Uncertain significance (1 of 4 stars; one submission).

Submission:

Labcorp Genetics (formerly Invitae), Labcorp
Classification: Uncertain significance. Last evaluated: 2019-12-20. Review status: criteria provided, single submitter. Criteria: Invitae Variant Classification Sherloc (09022015). Collection method: clinical testing. Allele origin: germline.
Comment: In summary, the available evidence is currently insufficient to determine the role of this variant in disease. Therefore, it has been classified as a Variant of Uncertain Significance. Algorithms developed to predict the effect of missense changes on protein structure and function output the following: SIFT: "Tolerated"; PolyPhen-2: "Benign"; Align-GVGD: "Class C0". The valine amino acid residue is found in multiple mammalian species, suggesting that this missense change does not adversely affect protein function. These predictions have not been confirmed by published functional studies and their clinical significance is uncertain. This variant has not been reported in the literature in individuals with ADGRV1-related conditions. This variant is not present in population databases (ExAC no frequency). This sequence change replaces isoleucine with valine at codon 636 of the ADGRV1 protein (p.Ile636Val). The isoleucine residue is moderately conserved and there is a small physicochemical difference between isoleucine and valine.